The following is an entry in ClinVar:

NM_003803.4(MYOM1):c.4366T>C (p.Cys1456Arg)

Gene: MYOM1 (myomesin 1; minus strand). Cytogenetic location: 18p11.31.
Variant type: single nucleotide variant.
Coding change: c.4366T>C on transcript NM_003803.4 (MANE Select); coding-DNA position 4366, T replaced by C.
Protein change: p.Cys1456Arg; replaces cysteine 1456 with arginine.
Molecular consequence: missense variant.
Genome position (GRCh38, 1-based): chr18:3,084,001, A>G on the plus strand (T>C on the coding strand, the complement: MYOM1 is on the minus strand). VCF-style: chr18-3084001-A-G. GRCh37 (hg19) VCF-style: chr18-3083999-A-G.
Other names: c.4078T>C, p.Cys1360Arg (NM_019856.2); short protein forms C1360R, C1456R.
Identifiers: ClinVar variation 1740051 (VCV001740051.4), dbSNP rs2510486564, ClinGen allele CA401709929.
Genomic context (GRCh38, chr18:3,084,001, plus strand): 5'-GGCAGGAGGATCATAAAGCATTGTTGTGGTGCGAAATGTTTGACTCACCTATTTTTTTGC[A>G]TACTTCCATCATCAGTTCCTTAAAGGCTGTGGAGAGAGATTCAGAGCCAAAACTTTAGCA-3'
Protein context (NP_003794.3, residues 1446-1466): EAFKELMMEV[Cys1456Arg]KKIALSATDL

ClinVar aggregate classification (germline): Uncertain significance. Review status: criteria provided, multiple submitters, no conflicts (2 of 4 stars). 2 submissions from 2 submitters: Uncertain significance (2). Last evaluated 2024-06-01.

Conditions:
Hypertrophic cardiomyopathy. Also called: HYPERTROPHIC MYOCARDIOPATHY. Identifiers: Orphanet 217569, MedGen C0007194, MeSH D002312, MONDO:0005045, HP:0001639.

Allele frequency attached by ClinVar (database versions not stated): gnomAD exomes below 0.00001.
gnomAD v4.1: 1 of 1,587,446 alleles (0.000063%); highest among the groups gnomAD compares: Non-Finnish European, 0.000086%; no homozygotes.

Submissions (2):

Labcorp Genetics (formerly Invitae), Labcorp
Classification: Uncertain significance for Hypertrophic cardiomyopathy. Last evaluated: 2024-06-01. Review status: criteria provided, single submitter. Criteria: Invitae Variant Classification Sherloc (09022015). Collection method: clinical testing. Allele origin: germline.
Comment: This sequence change replaces cysteine, which is neutral and slightly polar, with arginine, which is basic and polar, at codon 1456 of the MYOM1 protein (p.Cys1456Arg). This variant is not present in population databases (gnomAD no frequency). This variant has not been reported in the literature in individuals affected with MYOM1-related conditions. ClinVar contains an entry for this variant (Variation ID: 1740051). Advanced modeling of protein sequence and biophysical properties (such as structural, functional, and spatial information, amino acid conservation, physicochemical variation, residue mobility, and thermodynamic stability) performed at Invitae indicates that this missense variant is not expected to disrupt MYOM1 protein function with a negative predictive value of 80%. In summary, the available evidence is currently insufficient to determine the role of this variant in disease. Therefore, it has been classified as a Variant of Uncertain Significance.

Ambry Genetics
Classification: Uncertain significance. Last evaluated: 2022-07-06. Review status: criteria provided, single submitter. Criteria: Ambry Variant Classification Scheme 2023. Collection method: clinical testing. Allele origin: germline.
Comment: The p.C1456R variant (also known as c.4366T>C), located in coding exon 31 of the MYOM1 gene, results from a T to C substitution at nucleotide position 4366. The cysteine at codon 1456 is replaced by arginine, an amino acid with highly dissimilar properties. This amino acid position is conserved. In addition, the in silico prediction for this alteration is inconclusive. Since supporting evidence is limited at this time, the clinical significance of this alteration remains unclear.